The following is an entry in ClinVar:

ClinVar aggregate classification (germline): Uncertain significance. Review status: criteria provided, multiple submitters, no conflicts (2 of 4 stars). 2 submissions from 2 submitters: Uncertain significance (2). Last evaluated 2024-03-21.

Conditions:
Hereditary cancer-predisposing syndrome. Also called: Tumor predisposition; Neoplastic Syndromes, Hereditary; Hereditary neoplastic syndrome; Hereditary Cancer Syndrome. Identifiers: Orphanet 140162, MedGen C0027672, MeSH D009386, MONDO:0015356.
Gorlin syndrome. Also called: Basal cell nevus syndrome; Nevoid Basal Cell Carcinoma Syndrome. Identifiers: Orphanet 377, MedGen C0004779, MONDO:0007187.

Submissions (2):

Ambry Genetics
Classification: Uncertain significance for Hereditary cancer-predisposing syndrome. Last evaluated: 2024-03-21. Review status: criteria provided, single submitter. Criteria: Ambry Variant Classification Scheme 2023. Collection method: clinical testing. Allele origin: germline.
Comment: The p.D669E variant (also known as c.2007C>A), located in coding exon 14 of the PTCH1 gene, results from a C to A substitution at nucleotide position 2007. The aspartic acid at codon 669 is replaced by glutamic acid, an amino acid with highly similar properties. This amino acid position is conserved. In addition, the in silico prediction for this alteration is inconclusive. Based on the available evidence, the clinical significance of this alteration remains unclear.

Labcorp Genetics (formerly Invitae), Labcorp
Classification: Uncertain significance for Gorlin syndrome. Last evaluated: 2022-09-26. Review status: criteria provided, single submitter. Criteria: Invitae Variant Classification Sherloc (09022015). Collection method: clinical testing. Allele origin: germline.
Comment: This sequence change replaces aspartic acid, which is acidic and polar, with glutamic acid, which is acidic and polar, at codon 669 of the PTCH1 protein (p.Asp669Glu). This variant is not present in population databases (gnomAD no frequency). This variant has not been reported in the literature in individuals affected with PTCH1-related conditions. Advanced modeling of protein sequence and biophysical properties (such as structural, functional, and spatial information, amino acid conservation, physicochemical variation, residue mobility, and thermodynamic stability) performed at Invitae indicates that this missense variant is not expected to disrupt PTCH1 protein function. In summary, the available evidence is currently insufficient to determine the role of this variant in disease. Therefore, it has been classified as a Variant of Uncertain Significance.

NM_000264.5(PTCH1):c.2007C>A (p.Asp669Glu)

Genes: PTCH1 (patched 1; minus strand), LOC100507346 (uncharacterized LOC100507346; plus strand). Cytogenetic location: 9q22.32.
Variant type: single nucleotide variant.
Coding change: c.2007C>A on transcript NM_000264.5 (MANE Select); coding-DNA position 2007, C replaced by A.
Protein change: p.Asp669Glu; replaces aspartic acid 669 with glutamic acid.
Molecular consequence: missense variant. On other transcripts: non-coding transcript variant (2).
Genome position (GRCh38, 1-based): chr9:95,468,994, G>T on the plus strand (C>A on the coding strand, the complement: PTCH1 is on the minus strand). VCF-style: chr9-95468994-G-T. GRCh37 (hg19) VCF-style: chr9-98231276-G-T.
Other names: c.1809C>A, p.Asp603Glu (NM_001083602.3); c.2004C>A, p.Asp668Glu (NM_001083603.3); c.1554C>A, p.Asp518Glu (NM_001083604.3, NM_001083605.3, NM_001083606.3 and 1 more transcripts); c.1851C>A, p.Asp617Glu (NM_001354918.2); short protein forms D617E, D603E, D518E, D668E, D669E.
Identifiers: ClinVar variation 2097075 (VCV002097075.5), dbSNP rs2118046380, ClinGen allele CA374115854.